The following is an entry in ClinVar:

NM_001927.4(DES):c.578+11G>A

Gene: DES (desmin; plus strand). Cytogenetic location: 2q35.
Variant type: single nucleotide variant.
Coding change: c.578+11G>A on transcript NM_001927.4 (MANE Select); 11 bases into the intron after coding-DNA position 578, G replaced by A.
Molecular consequence: intron variant.
Genome position (GRCh38, 1-based): chr2:219,419,051, G>A. VCF-style: chr2-219419051-G-A. GRCh37 (hg19) VCF-style: chr2-220283773-G-A.
Identifiers: ClinVar variation 44263 (VCV000044263.31), dbSNP rs111548596, ClinGen allele CA133856.
Genomic context (GRCh38, chr2:219,419,051, plus strand): 5'-GACGTCGAGCGCGACAACCTGCTCGACGACCTGCAGCGGCTCAAGGCCAAGTGAGGGCCC[G>A]GCACCCCAGACTCCTCTTTCTGCGGGCAGGGCACAGGAGGCTAGGCCTGGGGTCTGGGGT-3'

ClinVar aggregate classification (germline): Benign. Review status: criteria provided, multiple submitters, no conflicts (2 of 4 stars). 14 submissions from 12 submitters: Benign (10). 4 of the submissions do not count toward it. Last evaluated 2026-02-04.

Conditions:
Desmin-related myofibrillar myopathy (MFM1). Also called: MYOFIBRILLAR MYOPATHY WITH ARRHYTHMOGENIC RIGHT VENTRICULAR CARDIOMYOPATHY; DESMIN-RELATED MYOPATHY WITH ARRHYTHMOGENIC RIGHT VENTRICULAR CARDIOMYOPATHY; Desminopathy; Desmin related myopathy (former name); Desmin storage myopathy (former name); Myofibrillar myopathy 1. Identifiers: Orphanet 363543, Orphanet 98909, MedGen C1832370, MONDO:0011076, OMIM 601419.
Neurogenic scapuloperoneal syndrome, Kaeser type (SCPNK). Also called: KAESER SYNDROME. Identifiers: Orphanet 85146, MedGen C1867005, MONDO:0008407, OMIM 181400.
Dilated cardiomyopathy 1I (CMD1I). Identifiers: Orphanet 154, MedGen C1858154, MONDO:0011482, OMIM 604765.

Allele frequency attached by ClinVar (database versions not stated): gnomAD exomes 0.00564 and 0.01202; ExAC 0.01036; ESP Exome Variant Server 0.04604; gnomAD 0.05724 and 0.06130; 1000 Genomes Project 0.06370; TOPMed 0.06377; 1000 Genomes Project 30x 0.06746.
gnomAD v4.1: 16,985 of 1,537,434 alleles (1.1%); highest among the groups gnomAD compares: African/African-American, 20%; 1,603 homozygotes.

Submissions (14):

Labcorp Genetics (formerly Invitae), Labcorp
Classification: Benign for Desmin-related myofibrillar myopathy. Last evaluated: 2026-02-04. Review status: criteria provided, single submitter. Criteria: Invitae Variant Classification Sherloc (09022015). Collection method: clinical testing. Allele origin: germline.

Women's Health and Genetics/Laboratory Corporation of America, LabCorp
Classification: Benign. Last evaluated: 2019-09-16. Review status: criteria provided, single submitter. Criteria: LabCorp Variant Classification Summary - May 2015. Collection method: clinical testing. Allele origin: germline.
Comment: Variant summary: DES c.578+11G>A alters a non-conserved nucleotide located close to a canonical splice site and therefore could affect mRNA splicing, leading to a significantly altered protein sequence. 5/5 computational tools predict no significant impact on normal splicing. However, these predictions have yet to be confirmed by functional studies. The variant allele was found at a frequency of 0.012 in 132482 control chromosomes, predominantly at a frequency of 0.2 within the African or African-American subpopulation in the gnomAD database, including 130 homozygotes. The observed variant frequency within African or African-American control individuals in the gnomAD database is well above the estimated maximal expected allele frequency for a pathogenic variant in DES causing Cardiomyopathy phenotype (2.5e-05), strongly suggesting that the variant is a benign polymorphism found primarily in populations of African or African-American origin. Co-occurrences with other pathogenic variant(s) have been reported (TTR c.424G>A), providing supporting evidence for a benign role. One clinical diagnostic laboratory has submitted clinical-significance assessments for this variant to ClinVar after 2014 without evidence for independent evaluation. One laboratory classified the variant as benign. Based on the evidence outlined above, the variant was classified as benign.

Illumina Laboratory Services, Illumina
Classification: Benign for Myofibrillar myopathy 1. Last evaluated: 2018-01-13. Review status: criteria provided, single submitter. Criteria: ICSL Variant Classification Criteria 13 December 2019. Collection method: clinical testing. Allele origin: germline.
Comment: This variant was observed in the ICSL laboratory as part of a predisposition screen in an ostensibly healthy population. It had not been previously curated by ICSL or reported in the Human Gene Mutation Database (HGMD: prior to June 1st, 2018), and was therefore a candidate for classification through an automated scoring system. Utilizing variant allele frequency, disease prevalence and penetrance estimates, and inheritance mode, an automated score was calculated to assess if this variant is too frequent to cause the disease. Based on the score and internal cut-off values, a variant classified as benign is not then subjected to further curation. The score for this variant resulted in a classification of benign for this disease.

Illumina Laboratory Services, Illumina
Classification: Benign for Dilated cardiomyopathy 1I. Last evaluated: 2018-01-13. Review status: criteria provided, single submitter. Criteria: ICSL Variant Classification Criteria 13 December 2019. Collection method: clinical testing. Allele origin: germline.
Comment: the same text as in the submission from Illumina Laboratory Services, Illumina above.

Illumina Laboratory Services, Illumina
Classification: Benign for Neurogenic scapuloperoneal syndrome, Kaeser type. Last evaluated: 2018-01-13. Review status: criteria provided, single submitter. Criteria: ICSL Variant Classification Criteria 13 December 2019. Collection method: clinical testing. Allele origin: germline.
Comment: the same text as in the submission from Illumina Laboratory Services, Illumina above.

GeneDx
Classification: Benign. Last evaluated: 2015-03-03. Review status: criteria provided, single submitter. Criteria: GeneDx Variant Classification Process June 2021. Collection method: clinical testing. Allele origin: germline. Affected: yes.

Eurofins Ntd Llc (ga)
Classification: Benign. Last evaluated: 2013-12-17. Review status: criteria provided, single submitter. Criteria: EGL Classification Definitions 2015. Collection method: clinical testing. Allele origin: germline. Observed: 2 variant alleles, 2 heterozygotes.

Laboratory for Molecular Medicine, Mass General Brigham Personalized Medicine
Classification: Benign. Last evaluated: 2011-09-28. Review status: criteria provided, single submitter. Criteria: LMM Criteria. Collection method: clinical testing. Allele origin: germline. Observed: 96 variant alleles.
Comment: This variant is classified as benign because it is located in the intron outside the splice consensus and occurs in the general population at a frequency of >1% (rs111548596).

Breakthrough Genomics
Classification: Benign. Review status: criteria provided, single submitter. Criteria: ACMG Guidelines, 2015. Collection method: not provided. Allele origin: germline. Inheritance: Autosomal recessive inheritance. Affected: yes.

PreventionGenetics, part of Exact Sciences
Classification: Benign. Review status: criteria provided, single submitter. Criteria: ACMG Guidelines, 2015. Collection method: clinical testing. Allele origin: germline.

Clinical Genetics DNA and cytogenetics Diagnostics Lab, Erasmus MC, Erasmus Medical Center
Classification: Benign. Review status: no assertion criteria provided. Collection method: clinical testing. Allele origin: germline. Affected: yes. Study: VKGL Data-share Consensus. Not counted in ClinVar's aggregate classification.

Clinical Genetics, Academic Medical Center
Classification: Benign. Review status: no assertion criteria provided. Collection method: clinical testing. Allele origin: germline. Affected: yes. Study: VKGL Data-share Consensus. Not counted in ClinVar's aggregate classification.

Joint Genome Diagnostic Labs from Nijmegen and Maastricht, Radboudumc and MUMC+
Classification: Benign. Review status: no assertion criteria provided. Collection method: clinical testing. Allele origin: germline. Affected: yes. Study: VKGL Data-share Consensus. Not counted in ClinVar's aggregate classification.

Laboratory of Diagnostic Genome Analysis, Leiden University Medical Center (LUMC)
Classification: Likely benign. Review status: no assertion criteria provided. Collection method: clinical testing. Allele origin: germline. Affected: yes. Study: VKGL Data-share Consensus. Not counted in ClinVar's aggregate classification.